The following is an entry in ClinVar:

NM_017777.4(MKS1):c.*58G>C

Gene: MKS1 (MKS transition zone complex subunit 1; minus strand). Cytogenetic location: 17q22.
Variant type: single nucleotide variant.
Coding change: c.*58G>C on transcript NM_017777.4 (MANE Select); 58 bases downstream of the stop codon, G replaced by C.
Molecular consequence: 3 prime UTR variant. On other transcripts: missense variant (1).
Genome position (GRCh38, 1-based): chr17:58,206,021, C>G on the plus strand (G>C on the coding strand, the complement: MKS1 is on the minus strand). VCF-style: chr17-58206021-C-G. GRCh37 (hg19) VCF-style: chr17-56283382-C-G.
Other names: c.*58G>C (NM_001321268.2); c.1655G>C, p.Ser552Thr (NM_001321269.2); c.*150G>C (NM_001330397.2); short protein forms S552T.
Identifiers: ClinVar variation 3037883 (VCV003037883.3), dbSNP rs35384582, ClinGen allele CA292007233.
Genomic context (GRCh38, chr17:58,206,021, plus strand): 5'-TTCTGGTTCTCAGCAGACCAACGTGGTCTCTAATCAGAAAGACGAAGAGGCAGGAGAGCA[C>G]TGGCCTCAGATATCCCCCATCTTGTCCTCTTGCACTGTGGGCCAGGGCTGCTGTGAGCTA-3'

ClinVar aggregate classification (germline): Likely benign. Review status: criteria provided, single submitter (1 of 4 stars). 2 submissions from 2 submitters: Likely benign (1). 1 of the submissions does not count toward it. Last evaluated 2024-07-04.

Conditions:
MKS1-related disorder. Also called: MKS1-related condition; MKS1-related disorders. Identifiers: MedGen CN239382.

Allele frequency attached by ClinVar (database versions not stated): TOPMed 0.00172; 1000 Genomes Project 0.00200; 1000 Genomes Project 30x 0.00203.
gnomAD v4.1: 424 of 1,562,064 alleles (0.027%); highest among the groups gnomAD compares: African/African-American, 0.51%; 2 homozygotes.

Submissions (2):

Blueprint Genetics
Classification: Likely benign. Last evaluated: 2024-07-04. Review status: criteria provided, single submitter. Criteria: ACMG Guidelines, 2015. Collection method: clinical testing. Allele origin: germline.

PreventionGenetics, part of Exact Sciences
Classification: Likely benign for MKS1-related condition. Last evaluated: 2019-04-30. Review status: no assertion criteria provided. Collection method: clinical testing. Allele origin: germline. Not counted in ClinVar's aggregate classification.
Comment: This variant is classified as likely benign based on ACMG/AMP sequence variant interpretation guidelines (Richards et al. 2015 PMID: 25741868, with internal and published modifications).